The following is an entry in ClinVar:

ClinVar aggregate classification (germline): Pathogenic (1 of 4 stars; one submission).

Submission:

Labcorp Genetics (formerly Invitae), Labcorp
Classification: Pathogenic. Last evaluated: 2023-05-24. Review status: criteria provided, single submitter. Criteria: Invitae Variant Classification Sherloc (09022015). Collection method: clinical testing. Allele origin: unknown.
Comment: For these reasons, this variant has been classified as Pathogenic. This variant has not been reported in the literature in individuals affected with TTC37-related conditions. This variant is a gross deletion of the genomic region encompassing exon(s) 35-36 of the TTC37 gene. This deletion is out-of-frame, and is expected to create a premature termination codon and result in an absent or disrupted protein product. Loss-of-function variants in TTC37 are known to be pathogenic (PMID: 20176027, 21120949).

Literature cited by the submitters: PubMed 20176027; PubMed 21120949.

NC_000005.9:g.(?_94828832)_(94833106_?)del

Gene: SKIC3 (SKI3 subunit of superkiller complex; minus strand). Cytogenetic location: 5q15.
Variant type: Deletion.
Identifiers: ClinVar variation 3246516 (VCV003246516.1).